The following is an entry in ClinVar:

ClinVar aggregate classification (germline): Conflicting classifications of pathogenicity. Review status: criteria provided, conflicting classifications (1 of 4 stars). 5 submissions from 5 submitters: Likely pathogenic (1); Uncertain significance (3). 1 of the submissions does not count toward it. Last evaluated 2026-02-26.

Conditions:
PCYT1A-related disorder. Also called: PCYT1A-related condition.
Lipodystrophy, congenital generalized, type 5 (CGL5). Identifiers: MedGen C5882745, MONDO:0958023, OMIM 620680.

Submissions (5):

PreventionGenetics, part of Exact Sciences
Classification: Uncertain significance for PCYT1A-related condition. Last evaluated: 2026-02-26. Review status: criteria provided, single submitter. Criteria: ACMG Guidelines, 2015. Collection method: clinical testing. Allele origin: germline.
Comment: The PCYT1A c.838_840delGAG variant is predicted to result in an in-frame deletion (p.Glu280del). This variant has been reported in two individuals in a family with with lipodystrophy (Payne et al. 2014. PubMed ID: 24889630) and has been shown to impact protein expression (Cornell et al. 2018. PubMed ID: 30559292). This variant is reported in 0.0070% of alleles in individuals of European (Non-Finnish) descent in gnomAD. Although we suspect that this variant may be pathogenic, at this time, the clinical significance of this variant is uncertain due to the absence of conclusive functional and genetic evidence.

Immunogenetics and Transplant Biology Service, University Hospital "Città della Salute e della Scienza di Torino"
Classification: Likely pathogenic for Lipodystrophy, congenital generalized, type 5. Last evaluated: 2025-06-28. Review status: criteria provided, single submitter. Criteria: ACMG Guidelines, 2015. Collection method: clinical testing. Allele origin: germline. Affected: yes.

Blueprint Genetics
Classification: Uncertain significance. Last evaluated: 2024-05-13. Review status: criteria provided, single submitter. Criteria: ACMG Guidelines, 2015. Collection method: clinical testing. Allele origin: germline.

Labcorp Genetics (formerly Invitae), Labcorp
Classification: Uncertain significance. Last evaluated: 2023-11-27. Review status: criteria provided, single submitter. Criteria: Invitae Variant Classification Sherloc (09022015). Collection method: clinical testing. Allele origin: germline.
Comment: This variant, c.838_840del, results in the deletion of 1 amino acid(s) of the PCYT1A protein (p.Glu280del), but otherwise preserves the integrity of the reading frame. This variant is present in population databases (rs771425372, gnomAD 0.007%). This variant has been observed in individual(s) with lipodystrophy (PMID: 24889630). Algorithms developed to predict the effect of variants on protein structure and function are not available or were not evaluated for this variant. Experimental studies have shown that this variant affects PCYT1A function (PMID: 24889630, 30559292). In summary, the available evidence is currently insufficient to determine the role of this variant in disease. Therefore, it has been classified as a Variant of Uncertain Significance.

OMIM
Classification: Pathogenic for LIPODYSTROPHY, CONGENITAL GENERALIZED, TYPE 5. Last evaluated: 2024-01-19. Review status: no assertion criteria provided. Collection method: literature only. Allele origin: germline. Not counted in ClinVar's aggregate classification.

Literature cited by the submitters: PubMed 24889630 (cited by Labcorp Genetics (formerly Invitae), Labcorp and OMIM); PubMed 30559292 (cited by Labcorp Genetics (formerly Invitae), Labcorp).

NM_001312673.2(PCYT1A):c.835GAG[1] (p.Glu280del)

Gene: PCYT1A (phosphate cytidylyltransferase 1A, choline; minus strand). Cytogenetic location: 3q29.
Variant type: Microsatellite.
Coding change: c.835GAG[1] on transcript NM_001312673.2 (MANE Select); one copy of the 3-base unit GAG starting at c.835; the reference has two copies in a row; one copy, 3 bases deleted; also written c.838_840del.
Protein change: p.Glu280del; deletes glutamic acid 280.
Genome position (GRCh38, 1-based): chr3:196,239,604-196,239,606, CTC deleted on the plus strand (GAG on the coding strand, the reverse complement: PCYT1A is on the minus strand); deleting any 3 consecutive bases within chr3:196,239,604-196,239,610 gives the same sequence; the position shown is the placement nearest the transcript's 3' end. VCF-style (leftmost placement, unchanged base first): chr3-196239603-TCTC-T. GRCh37 (hg19) VCF-style: chr3-195966474-TCTC-T.
Other names: c.838_840delGAG (NM_005017.3); c.835GAG[1], p.Glu280del (NM_005017.4); c.838_840del (NM_001312673.2); short protein forms E280del.
Identifiers: ClinVar variation 1004313 (VCV001004313.7), dbSNP rs771425372, ClinGen allele CA2779419.